The following is an entry in ClinVar:

ClinVar aggregate classification (germline): Uncertain significance (1 of 4 stars; one submission).

Conditions:
Amyotrophic lateral sclerosis type 21. Also called: MYOPATHY, DISTAL, 2; VOCAL CORD AND PHARYNGEAL DYSFUNCTION WITH DISTAL MYOPATHY. Identifiers: Orphanet 600, Orphanet 803, MedGen C3807521, MONDO:0011632, OMIM 606070.

Submission:

Labcorp Genetics (formerly Invitae), Labcorp
Classification: Uncertain significance for Amyotrophic lateral sclerosis type 21. Last evaluated: 2025-03-11. Review status: criteria provided, single submitter. Criteria: Invitae Variant Classification Sherloc (09022015). Collection method: clinical testing. Allele origin: germline.
Comment: This sequence change replaces glycine, which is neutral and non-polar, with valine, which is neutral and non-polar, at codon 237 of the MATR3 protein (p.Gly237Val). This variant is not present in population databases (gnomAD no frequency). This variant has not been reported in the literature in individuals affected with MATR3-related conditions. Invitae Evidence Modeling of protein sequence and biophysical properties (such as structural, functional, and spatial information, amino acid conservation, physicochemical variation, residue mobility, and thermodynamic stability) indicates that this missense variant is not expected to disrupt MATR3 protein function with a negative predictive value of 80%. In summary, the available evidence is currently insufficient to determine the role of this variant in disease. Therefore, it has been classified as a Variant of Uncertain Significance.

NM_018834.6(MATR3):c.710G>T (p.Gly237Val)

Gene: MATR3 (matrin 3; plus strand). Cytogenetic location: 5q31.2.
Variant type: single nucleotide variant.
Coding change: c.710G>T on transcript NM_018834.6 (MANE Select); coding-DNA position 710, G replaced by T.
Protein change: p.Gly237Val; replaces glycine 237 with valine.
Molecular consequence: missense variant. On other transcripts: intron variant (11).
Genome position (GRCh38, 1-based): chr5:139,308,125, G>T. VCF-style: chr5-139308125-G-T. GRCh37 (hg19) VCF-style: chr5-138643814-G-T.
Other names: c.710G>T, p.Gly237Val (NM_001194954.2, NM_001194955.2, NM_001400441.1 and 16 more transcripts); c.52-6550G>T (NM_001400459.1); c.-102-6550G>T (NM_001400463.1, NM_001400460.1, NM_001282278.2 and 3 more transcripts); c.-40-7572G>T (NM_001400462.1, NM_001400467.1); c.13-6550G>T (NM_001400461.1); c.49-6550G>T (NM_001194956.2); short protein forms G237V.
Identifiers: ClinVar variation 4741646 (VCV004741646.1).